The following is an entry in ClinVar:

NM_133433.4(NIPBL):c.3810GAA[1] (p.Lys1271del)

Gene: NIPBL (NIPBL cohesin loading factor; plus strand). Cytogenetic location: 5p13.2.
Variant type: Microsatellite.
Coding change: c.3810GAA[1] on transcript NM_133433.4 (MANE Select); one copy of the 3-base unit GAA starting at c.3810; the reference has two copies in a row; one copy, 3 bases deleted.
Protein change: p.Lys1271del; deletes lysine 1271.
Molecular consequence: inframe deletion.
Genome position (GRCh38, 1-based): chr5:37,003,305-37,003,307, GAA deleted; deleting any 3 consecutive bases within chr5:37,003,301-37,003,307 gives the same sequence; the position shown is the placement nearest the transcript's 3' end. VCF-style (leftmost placement, unchanged base first): chr5-37003300-GAGA-G. GRCh37 (hg19) VCF-style: chr5-37003402-GAGA-G.
Other names: c.3810GAA[1], p.Lys1271del (NM_015384.5); short protein forms K1271del.
Identifiers: ClinVar variation 1735173 (VCV001735173.2), dbSNP rs2478115308, ClinGen allele CA2580613545.

ClinVar aggregate classification (germline): Likely pathogenic (1 of 4 stars; one submission).

Conditions:
Inborn genetic diseases. Identifiers: MedGen C0950123, MeSH D030342.

Submission:

Ambry Genetics
Classification: Likely pathogenic for Inborn genetic diseases. Last evaluated: 2016-10-06. Review status: criteria provided, single submitter. Criteria: Ambry Variant Classification Scheme 2023. Collection method: clinical testing. Allele origin: germline.
Comment: The c.3813_3815delGAA variant (also known as p.K1271del) is located in coding exon 15 of the NIPBL gene. This variant results from an in-frame GAA deletion at nucleotide positions 3813 to 3815. This results in the in-frame deletion of a lysine at codon 1271. In one study, this variant was identified in B-lymphoblastoid cell line from an individual with Cornelia de Lange syndrome (CdLS). This study also showed that the cell line with this variant had an increase in the formation of chromatid exchanges and chromatid breaks when exposed to x-rays in the G2 cell cycle phase, consistent with a defect in double strand break repair through homologous recombination (Vrouwe MG et al. Hum. Mol. Genet., 2007 Jun;16:1478-87). This variant was not reported in population based cohorts in the following databases: Database of Single Nucleotide Polymorphisms (dbSNP), NHLBI Exome Sequencing Project (ESP), and 1000 Genomes Project. In the ESP, this variant was not observed in 6491 samples (12982 alleles) with coverage at this position. This amino acid position is highly conserved in available vertebrate species. In addition, this alteration is predicted to be and by PolyPhen and SIFT in silico analyses, respectively. Based on the majority of available evidence to date, this variant is likely to be pathogenic.

Literature cited by the submitters: PubMed 17468178.